The following is an entry in ClinVar:

ClinVar aggregate classification (germline): Conflicting classifications of pathogenicity. Review status: criteria provided, conflicting classifications (1 of 4 stars). 2 submissions from 2 submitters: Uncertain significance (1); Likely benign (1). Last evaluated 2021-08-30.

Conditions:
Hereditary breast ovarian cancer syndrome. Also called: Hereditary breast and ovarian cancer syndrome; Hereditary breast and ovarian cancer; Hereditary breast and ovarian cancer syndrome (HBOC); Breast and ovarian cancer; Hereditary breast and/or ovarian cancer syndrome; BRCA1- and BRCA2-Associated Hereditary Breast and Ovarian Cancer. Identifiers: Orphanet 145, MedGen C0677776, MeSH D061325, MONDO:0003582. Disease mechanism: loss of function.
Hereditary cancer-predisposing syndrome. Also called: Neoplastic Syndromes, Hereditary; Tumor predisposition; Hereditary Cancer Syndrome; Hereditary neoplastic syndrome. Identifiers: Orphanet 140162, MedGen C0027672, MeSH D009386, MONDO:0015356.

Submissions (2):

Ambry Genetics
Classification: Likely benign for Hereditary cancer-predisposing syndrome. Last evaluated: 2021-08-30. Review status: criteria provided, single submitter. Criteria: Ambry Variant Classification Scheme 2023. Collection method: clinical testing. Allele origin: germline.

Labcorp Genetics (formerly Invitae), Labcorp
Classification: Uncertain significance for Hereditary breast ovarian cancer syndrome. Last evaluated: 2021-03-31. Review status: criteria provided, single submitter. Criteria: Invitae Variant Classification Sherloc (09022015). Collection method: clinical testing. Allele origin: germline.
Comment: In summary, the available evidence is currently insufficient to determine the role of this variant in disease. Therefore, it has been classified as a Variant of Uncertain Significance. Nucleotide substitutions within the consensus splice site are a relatively common cause of aberrant splicing (PMID: 17576681, 9536098). Algorithms developed to predict the effect of sequence changes on RNA splicing suggest that this variant may create or strengthen a splice site, but this prediction has not been confirmed by published transcriptional studies. This variant has not been reported in the literature in individuals with BRCA2-related conditions. ClinVar contains an entry for this variant (Variation ID: 482989). This variant is not present in population databases (ExAC no frequency). This sequence change falls in intron 14 of the BRCA2 gene. It does not directly change the encoded amino acid sequence of the BRCA2 protein. It affects a nucleotide within the consensus splice site of the intron.

Literature cited by the submitters: PubMed 17576681 (cited by Labcorp Genetics (formerly Invitae), Labcorp); PubMed 9536098 (cited by Labcorp Genetics (formerly Invitae), Labcorp).

NM_000059.4(BRCA2):c.7435+4T>A

Gene: BRCA2 (BRCA2 DNA repair associated; plus strand). Cytogenetic location: 13q13.1.
Variant type: single nucleotide variant.
Coding change: c.7435+4T>A on transcript NM_000059.4 (MANE Select); 4 bases into the intron after coding-DNA position 7435, T replaced by A.
Molecular consequence: intron variant.
Genome position (GRCh38, 1-based): chr13:32,355,292, T>A. VCF-style: chr13-32355292-T-A. GRCh37 (hg19) VCF-style: chr13-32929429-T-A.
Identifiers: ClinVar variation 482989 (VCV000482989.11), dbSNP rs1555286131, ClinGen allele CA658656423.